The following is an entry in ClinVar:

ClinVar aggregate classification (germline): Benign/Likely benign. Review status: criteria provided, multiple submitters, no conflicts (2 of 4 stars). 18 submissions from 18 submitters: Benign (9); Likely benign (4). 5 of the submissions do not count toward it. Last evaluated 2026-02-04.

Conditions:
Hereditary cancer-predisposing syndrome. Also called: Hereditary Cancer Syndrome; Tumor predisposition; Neoplastic Syndromes, Hereditary; Hereditary neoplastic syndrome. Identifiers: Orphanet 140162, MedGen C0027672, MeSH D009386, MONDO:0015356.
Colorectal cancer, susceptibility to, 12 (CRCS12). Also called: COLORECTAL CANCER, SUSCEPTIBILITY TO, ON CHROMOSOME 12q24. Identifiers: Orphanet 220460, MedGen C3554460, MONDO:0014038, OMIM 615083.
Carcinoma of colon (CRC). Also called: Colonic carcinoma; Colon carcinoma. Identifiers: MedGen C0699790, MONDO:0002032.

Allele frequency attached by ClinVar (database versions not stated): 1000 Genomes Project 30x 0.00422; 1000 Genomes Project 0.00459; TOPMed 0.00996; gnomAD 0.01111 and 0.01137; gnomAD exomes 0.01188 and 0.01441; ExAC 0.01205; ESP Exome Variant Server 0.01330.
gnomAD v4.1: 22,548 of 1,613,788 alleles (1.4%); highest among the groups gnomAD compares: Non-Finnish European, 1.6%; 188 homozygotes.

Submissions (18):

Labcorp Genetics (formerly Invitae), Labcorp
Classification: Benign. Last evaluated: 2026-02-04. Review status: criteria provided, single submitter. Criteria: Invitae Variant Classification Sherloc (09022015). Collection method: clinical testing. Allele origin: germline.

Mayo Clinic Laboratories, Mayo Clinic
Classification: Likely benign. Last evaluated: 2025-11-25. Review status: criteria provided, single submitter. Criteria: ACMG Guidelines, 2015. Collection method: clinical testing. Allele origin: germline. Observed: 11 variant alleles.
Comment: BS1, BP4, BP7

ARUP Laboratories, Molecular Genetics and Genomics, ARUP Laboratories
Classification: Benign. Last evaluated: 2025-07-15. Review status: criteria provided, single submitter. Criteria: ARUP Molecular Germline Variant Investigation Process 2024. Collection method: clinical testing. Allele origin: germline.

Center for Genomic Medicine, Rigshospitalet, Copenhagen University Hospital
Classification: Benign. Last evaluated: 2025-03-04. Review status: criteria provided, single submitter. Criteria: ACMG Guidelines, 2015. Collection method: clinical testing. Allele origin: germline.

Institute for Biomarker Research, Medical Diagnostic Laboratories, L.L.C.
Classification: Benign for Hereditary cancer-predisposing syndrome. Last evaluated: 2025-01-15. Review status: criteria provided, single submitter. Criteria: ACMG Guidelines, 2015. Collection method: clinical testing. Allele origin: germline.
Comment: The splice region variant NM_006231.4(POLE):c.2174-8G>A has been reported to ClinVar as Benign/Likely benign with a status of (2 stars) criteria provided, multiple submitters, no conflicts (Variation ID 220785 as of 2025-01-02). The c.2174-8G>A variant is not predicted to disrupt the existing acceptor splice site 6bp upstream by any splice site algorithm. The c.2174-8G>A variant results in a substitution of a base that is not predicted conserved by GERP++ and PhyloP. For these reasons, this variant has been classified as Benign.

Blueprint Genetics
Classification: Likely benign. Last evaluated: 2024-11-27. Review status: criteria provided, single submitter. Criteria: ACMG Guidelines, 2015. Collection method: clinical testing. Allele origin: germline.

KCCC/NGS Laboratory, Kuwait Cancer Control Center
Classification: Benign for Colorectal cancer, susceptibility to, 12. Last evaluated: 2023-07-07. Review status: criteria provided, single submitter. Criteria: ACMG Guidelines, 2015. Collection method: clinical testing. Allele origin: germline. Affected: yes.

Quest Diagnostics Nichols Institute San Juan Capistrano
Classification: Benign. Last evaluated: 2023-02-16. Review status: criteria provided, single submitter. Criteria: Quest Diagnostics criteria. Collection method: clinical testing. Allele origin: unknown.

PreventionGenetics, part of Exact Sciences
Classification: Benign. Last evaluated: 2016-11-22. Review status: criteria provided, single submitter. Criteria: ACMG Guidelines, 2015. Collection method: clinical testing. Allele origin: germline.

GeneDx
Classification: Benign. Last evaluated: 2016-11-18. Review status: criteria provided, single submitter. Criteria: GeneDx Variant Classification (06012015). Collection method: clinical testing. Allele origin: germline. Affected: yes.
Comment: This variant is considered likely benign or benign based on one or more of the following criteria: it is a conservative change, it occurs at a poorly conserved position in the protein, it is predicted to be benign by multiple in silico algorithms, and/or has population frequency not consistent with disease.

Women's Health and Genetics/Laboratory Corporation of America, LabCorp
Classification: Benign. Last evaluated: 2016-08-17. Review status: criteria provided, single submitter. Criteria: LabCorp Variant Classification Summary - May 2015. Collection method: clinical testing. Allele origin: germline.
Comment: Variant summary: c.2174-8G>A in POLE gene is an intronic change that involves a non-conserved nucleotide. 5/5 programs in Alamut predict that this variant does not affect normal splicing, however no functional studies supporting this notion were published at the time of evaluation. The variant is present in the control population dataset of ExAC at frequency of 0.012 (1461/121260 chrs tested), including 4 homozygous occurrences. The observed frequency exceeds the maximum expected allele frequency for a pathogenic variant of 0.000014, suggesting that it is a benign polymorphism. The variant of interest has been reported as Benign/Polymorphism by reputable database/clinical laboratory. Taking together, based on the prevalence of this variant in general population the variant was classified as Benign.

Laboratory for Molecular Medicine, Mass General Brigham Personalized Medicine
Classification: Likely benign. Last evaluated: 2016-03-29. Review status: criteria provided, single submitter. Criteria: LMM Criteria. Collection method: clinical testing. Allele origin: germline.
Comment: Variant identified in a genome or exome case(s) and assessed due to predicted null impact of the variant or pathogenic assertions in the literature or databases. Disclaimer: This variant has not undergone full assessment. The following are preliminary notes: ExAC: 1.7% European, intronic

Breakthrough Genomics
Classification: Likely benign. Review status: criteria provided, single submitter. Criteria: ACMG Guidelines, 2015. Collection method: not provided. Allele origin: germline. Inheritance: Autosomal recessive inheritance. Affected: yes.

True Health Diagnostics
Classification: Likely benign for Hereditary cancer-predisposing syndrome. Last evaluated: 2018-02-14. Review status: no assertion criteria provided. Collection method: clinical testing. Allele origin: germline. Not counted in ClinVar's aggregate classification.

Clinical Genetics, Academic Medical Center
Classification: Benign. Review status: no assertion criteria provided. Collection method: clinical testing. Allele origin: germline. Affected: yes. Study: VKGL Data-share Consensus. Not counted in ClinVar's aggregate classification.

Department of Pathology and Laboratory Medicine, Sinai Health System
Classification: Benign for Carcinoma of colon. Review status: no assertion criteria provided. Collection method: clinical testing. Allele origin: unknown. Affected: yes. Study: The Canadian Open Genetics Repository (COGR). Not counted in ClinVar's aggregate classification.
Comment: The POLE c.2174-8G>A variant was not identified in the literature nor was it identified in the Cosmic and MutDB databases. The variant was identified in dbSNP (ID: rs117409343) as â€šÃ„ÃºWith other alleleâ€šÃ„Ã¹, ClinVar and Clinvitae (5x as benign by Invitae, GeneDx, Quest diagnostics, Laboratory Corporation of America and likely benign by Laboratory for molecular Medicine). The variant was identified in control databases in 3277 of 276912 chromosomes (25 homozygous) at a frequency of 0.012 increasing the likelihood this could be a low frequency benign variant (Genome Aggregation Database Feb 27, 2017). It was observed in the following populations: African in 75 of 24034 chromosomes (freq: 0.003), Other in 88 of 6458 chromosomes (freq: 0.013), Latino in 291 of 34418 chromosomes (freq: 0.008), European Non-Finnish in 2146 of 126616 chromosomes (freq: 0.017), Ashkenazi Jewish in 87 of 10152 chromosomes (freq: 0.008), East Asian in 1 of 18870 chromosomes (freq: 0.000053), European Finnish in 502 of 25584 chromosomes (freq: 0.02), and South Asian in 87 of 30780 chromosomes (freq: 0.003). The variant occurs outside of the splicing consensus sequence and in silico or computational prediction software programs (SpliceSiteFinder, MaxEntScan, NNSPLICE, GeneSplicer, HumanSpliceFinder) do not predict a difference in splicing. In summary, based on the above information this variant meets our laboratory's criteria to be classified as benign.

Genome Diagnostics Laboratory, Amsterdam University Medical Center
Classification: Benign. Review status: no assertion criteria provided. Collection method: clinical testing. Allele origin: germline. Affected: yes. Study: VKGL Data-share Consensus. Not counted in ClinVar's aggregate classification.

Laboratory of Diagnostic Genome Analysis, Leiden University Medical Center (LUMC)
Classification: Likely benign. Review status: no assertion criteria provided. Collection method: clinical testing. Allele origin: germline. Affected: yes. Study: VKGL Data-share Consensus. Not counted in ClinVar's aggregate classification.

NM_006231.4(POLE):c.2174-8G>A

Gene: POLE (DNA polymerase epsilon, catalytic subunit; minus strand). Cytogenetic location: 12q24.33.
Variant type: single nucleotide variant.
Coding change: c.2174-8G>A on transcript NM_006231.4 (MANE Select); 8 bases into the intron before coding-DNA position 2174, G replaced by A.
Molecular consequence: intron variant.
Genome position (GRCh38, 1-based): chr12:132,667,656, C>T on the plus strand (G>A on the coding strand, the complement: POLE is on the minus strand). VCF-style: chr12-132667656-C-T. GRCh37 (hg19) VCF-style: chr12-133244242-C-T.
Other names: p.?.
Identifiers: ClinVar variation 220785 (VCV000220785.47), dbSNP rs117409343, ClinGen allele CA348819.